The following is an entry in ClinVar:

NM_004646.4(NPHS1):c.657G>A (p.Ala219=)

Gene: NPHS1 (NPHS1 adhesion molecule, nephrin; minus strand). Cytogenetic location: 19q13.12.
Variant type: single nucleotide variant.
Coding change: c.657G>A on transcript NM_004646.4 (MANE Select); coding-DNA position 657, G replaced by A.
Protein change: p.Ala219=; no amino-acid change (alanine 219 retained).
Molecular consequence: synonymous variant.
Genome position (GRCh38, 1-based): chr19:35,849,605, C>T on the plus strand (G>A on the coding strand, the complement: NPHS1 is on the minus strand). VCF-style: chr19-35849605-C-T. GRCh37 (hg19) VCF-style: chr19-36340507-C-T.
Other names: c.657G>A (NM_004646.3).
Identifiers: ClinVar variation 1118109 (VCV001118109.10), dbSNP rs369293172, ClinGen allele CA9390707.
Genomic context (GRCh38, chr19:35,849,605, plus strand): 5'-CTTACACAGAACATTCACGGTGAATGAGGCCTTGATGGGGGCCTCCAGTGCTGGGCTAGA[C>T]GCCTCACAGACCAGCAACTGCCTATTATCTGAGCTCCGGGGTGTCACCCTGGGATGAGAA-3'
Protein context (NP_004637.1, residues 209-229): SDNRQLLVCE[Ala219=]SSPALEAPIK

ClinVar aggregate classification (germline): Likely benign. Review status: criteria provided, multiple submitters, no conflicts (2 of 4 stars). 2 submissions from 2 submitters: Likely benign (2). Last evaluated 2026-01-20.

Conditions:
NPHS1-related disorder. Also called: NPHS1-related condition.

Allele frequency attached by ClinVar (database versions not stated): gnomAD 0.00002 and 0.00003; TOPMed 0.00002; ExAC 0.00004; gnomAD exomes 0.00004 and 0.00005; 1000 Genomes Project 30x 0.00016; 1000 Genomes Project 0.00020.
gnomAD v4.1: 81 of 1,614,040 alleles (0.005%); highest among the groups gnomAD compares: Middle Eastern, 0.016%; no homozygotes.

Submissions (2):

Labcorp Genetics (formerly Invitae), Labcorp
Classification: Likely benign. Last evaluated: 2026-01-20. Review status: criteria provided, single submitter. Criteria: Invitae Variant Classification Sherloc (09022015). Collection method: clinical testing. Allele origin: germline.

PreventionGenetics, part of Exact Sciences
Classification: Likely benign for NPHS1-related condition. Last evaluated: 2025-07-30. Review status: criteria provided, single submitter. Criteria: ACMG Guidelines, 2015. Collection method: clinical testing. Allele origin: germline.
Comment: This variant is classified as likely benign based on ACMG/AMP sequence variant interpretation guidelines (Richards et al. 2015 PMID: 25741868, with internal and published modifications).